The following is an entry in ClinVar:

ClinVar aggregate classification (germline): Likely benign (1 of 4 stars; one submission).

Conditions:
CREBBP-related disorder. Also called: CREBBP-related condition; CREBBP-related disorders.

Submission:

PreventionGenetics, part of Exact Sciences
Classification: Likely benign for CREBBP-related condition. Last evaluated: 2025-08-18. Review status: criteria provided, single submitter. Criteria: ACMG Guidelines, 2015. Collection method: clinical testing. Allele origin: germline.
Comment: This variant is classified as likely benign based on ACMG/AMP sequence variant interpretation guidelines (Richards et al. 2015 PMID: 25741868, with internal and published modifications).

NM_004380.3(CREBBP):c.7077A>G (p.Pro2359=)

Gene: CREBBP (CREB binding lysine acetyltransferase; minus strand). Cytogenetic location: 16p13.3.
Variant type: single nucleotide variant.
Coding change: c.7077A>G on transcript NM_004380.3 (MANE Select); coding-DNA position 7077, A replaced by G.
Protein change: p.Pro2359=; no amino-acid change (proline 2359 retained).
Molecular consequence: synonymous variant.
Genome position (GRCh38, 1-based): chr16:3,727,970, T>C on the plus strand (A>G on the coding strand, the complement: CREBBP is on the minus strand). VCF-style: chr16-3727970-T-C. GRCh37 (hg19) VCF-style: chr16-3777971-T-C.
Other names: c.6963A>G, p.Pro2321= (NM_001079846.1).
Identifiers: ClinVar variation 4991029 (VCV004991029.1).